The following is an entry in ClinVar:

ClinVar aggregate classification (germline): Likely benign. Review status: criteria provided, multiple submitters, no conflicts (2 of 4 stars). 6 submissions from 6 submitters: Likely benign (4). 2 of the submissions do not count toward it. Last evaluated 2025-08-03.

Conditions:
Cardiovascular phenotype. Identifiers: MedGen CN230736.
Long QT syndrome 10 (LQT10). Identifiers: Orphanet 101016, Orphanet 768, MedGen C2678484, MONDO:0012737, OMIM 611819.

Allele frequency attached by ClinVar (database versions not stated): gnomAD exomes 0.00005 and 0.00010; gnomAD 0.00007; ExAC 0.00008; ESP Exome Variant Server 0.00008; TOPMed 0.00008.
gnomAD v4.1: 83 of 1,613,960 alleles (0.0051%); highest among the groups gnomAD compares: Admixed American, 0.025%; no homozygotes.

Submissions (6):

Labcorp Genetics (formerly Invitae), Labcorp
Classification: Likely benign for Long QT syndrome 10. Last evaluated: 2025-08-03. Review status: criteria provided, single submitter. Criteria: Invitae Variant Classification Sherloc (09022015). Collection method: clinical testing. Allele origin: germline.

Ambry Genetics
Classification: Likely benign for Cardiovascular phenotype. Last evaluated: 2024-11-10. Review status: criteria provided, single submitter. Criteria: Ambry Variant Classification Scheme 2023. Collection method: clinical testing. Allele origin: germline.

ARUP Laboratories, Molecular Genetics and Genomics, ARUP Laboratories
Classification: Likely benign. Last evaluated: 2020-06-02. Review status: criteria provided, single submitter. Criteria: ARUP Molecular Germline Variant Investigation Process. Collection method: clinical testing. Allele origin: germline.

GeneDx
Classification: Likely benign. Last evaluated: 2017-10-02. Review status: criteria provided, single submitter. Criteria: GeneDx Variant Classification (06012015). Collection method: clinical testing. Allele origin: germline. Affected: yes.
Comment: This variant is considered likely benign or benign based on one or more of the following criteria: it is a conservative change, it occurs at a poorly conserved position in the protein, it is predicted to be benign by multiple in silico algorithms, and/or has population frequency not consistent with disease.

Clinical Genetics, Academic Medical Center
Classification: Likely benign. Review status: no assertion criteria provided. Collection method: clinical testing. Allele origin: germline. Affected: yes. Study: VKGL Data-share Consensus. Not counted in ClinVar's aggregate classification.

Joint Genome Diagnostic Labs from Nijmegen and Maastricht, Radboudumc and MUMC+
Classification: Likely benign. Review status: no assertion criteria provided. Collection method: clinical testing. Allele origin: germline. Affected: yes. Study: VKGL Data-share Consensus. Not counted in ClinVar's aggregate classification.

NM_174934.4(SCN4B):c.378G>A (p.Thr126=)

Genes: SCN4B (sodium voltage-gated channel beta subunit 4; minus strand), LOC126861356 (BRD4-independent group 4 enhancer GRCh37_chr11:118014519-118015718; plus strand). Cytogenetic location: 11q23.3.
Variant type: single nucleotide variant.
Coding change: c.378G>A on transcript NM_174934.4 (MANE Select); coding-DNA position 378, G replaced by A.
Protein change: p.Thr126=; no amino-acid change (threonine 126 retained).
Molecular consequence: synonymous variant. On other transcripts: intron variant (1).
Genome position (GRCh38, 1-based): chr11:118,143,918, C>T on the plus strand (G>A on the coding strand, the complement: SCN4B is on the minus strand). VCF-style: chr11-118143918-C-T. GRCh37 (hg19) VCF-style: chr11-118014633-C-T.
Other names: c.48G>A, p.Thr16= (NM_001142349.2); c.62-2582G>A (NM_001142348.2).
Identifiers: ClinVar variation 517068 (VCV000517068.23), dbSNP rs376627393, ClinGen allele CA6300226.